The following is an entry in ClinVar:

ClinVar aggregate classification (germline): Uncertain significance (1 of 4 stars; one submission).

Conditions:
Niemann-Pick disease, type C1. Also called: NEUROVISCERAL STORAGE DISEASE WITH VERTICAL SUPRANUCLEAR OPHTHALMOPLEGIA; NIEMANN-PICK DISEASE WITH CHOLESTEROL ESTERIFICATION BLOCK; NIEMANN-PICK DISEASE WITHOUT SPHINGOMYELINASE DEFICIENCY; NIEMANN-PICK DISEASE, CHRONIC NEURONOPATHIC FORM; NIEMANN-PICK DISEASE, VARIANT TYPE C1. Identifiers: Orphanet 646, MedGen C3179455, MONDO:0009757, OMIM 257220.

Submission:

Labcorp Genetics (formerly Invitae), Labcorp
Classification: Uncertain significance for Niemann-Pick disease, type C1. Last evaluated: 2022-07-19. Review status: criteria provided, single submitter. Criteria: Invitae Variant Classification Sherloc (09022015). Collection method: clinical testing. Allele origin: germline.
Comment: In summary, the available evidence is currently insufficient to determine the role of this variant in disease. Therefore, it has been classified as a Variant of Uncertain Significance. Advanced modeling of protein sequence and biophysical properties (such as structural, functional, and spatial information, amino acid conservation, physicochemical variation, residue mobility, and thermodynamic stability) performed at Invitae indicates that this missense variant is not expected to disrupt NPC1 protein function. This variant has not been reported in the literature in individuals affected with NPC1-related conditions. This variant is not present in population databases (gnomAD no frequency). This sequence change replaces leucine, which is neutral and non-polar, with valine, which is neutral and non-polar, at codon 144 of the NPC1 protein (p.Leu144Val).

NM_000271.5(NPC1):c.430T>G (p.Leu144Val)

Gene: NPC1 (NPC intracellular cholesterol transporter 1; minus strand). Cytogenetic location: 18q11.2.
Variant type: single nucleotide variant.
Coding change: c.430T>G on transcript NM_000271.5 (MANE Select); coding-DNA position 430, T replaced by G.
Protein change: p.Leu144Val; replaces leucine 144 with valine.
Molecular consequence: missense variant.
Genome position (GRCh38, 1-based): chr18:23,568,856, A>C on the plus strand (T>G on the coding strand, the complement: NPC1 is on the minus strand). VCF-style: chr18-23568856-A-C. GRCh37 (hg19) VCF-style: chr18-21148820-A-C.
Other names: short protein forms L144V.
Identifiers: ClinVar variation 2015152 (VCV002015152.4), dbSNP rs2511340815, ClinGen allele CA401784965.